The following is an entry in ClinVar:

ClinVar aggregate classification (germline): Likely benign. Review status: criteria provided, single submitter (1 of 4 stars). 2 submissions from 2 submitters: Likely benign (1). 1 of the submissions does not count toward it. Last evaluated 2024-11-26.

Conditions:
PLCE1-related disorder. Also called: PLCE1-related condition.

Allele frequency attached by ClinVar (database versions not stated): 1000 Genomes Project 30x 0.00031; ESP Exome Variant Server 0.00039; 1000 Genomes Project 0.00040; TOPMed 0.00048; gnomAD exomes 0.00086; gnomAD 0.00102; ExAC 0.00126.
gnomAD v4.1: 1,400 of 1,612,902 alleles (0.087%); highest among the groups gnomAD compares: Non-Finnish European, 0.07%; no homozygotes.

Submissions (2):

Blueprint Genetics
Classification: Likely benign. Last evaluated: 2024-11-26. Review status: criteria provided, single submitter. Criteria: ACMG Guidelines, 2015. Collection method: clinical testing. Allele origin: germline.

PreventionGenetics, part of Exact Sciences
Classification: Benign for PLCE1-related condition. Last evaluated: 2019-12-06. Review status: no assertion criteria provided. Collection method: clinical testing. Allele origin: germline. Not counted in ClinVar's aggregate classification.
Comment: This variant is classified as benign based on ACMG/AMP sequence variant interpretation guidelines (Richards et al. 2015 PMID: 25741868, with internal and published modifications).

NM_016341.4(PLCE1):c.1207-43089G>A

Genes: PLCE1 (phospholipase C epsilon 1; plus strand), PLCE1-AS2 (PLCE1 antisense RNA 2; minus strand). Cytogenetic location: 10q23.33.
Variant type: single nucleotide variant.
Coding change: c.1207-43089G>A on transcript NM_016341.4 (MANE Select); 43089 bases into the intron before coding-DNA position 1207, G replaced by A.
Molecular consequence: intron variant. On other transcripts: 5 prime UTR variant (1).
Genome position (GRCh38, 1-based): chr10:94,089,085, G>A. VCF-style: chr10-94089085-G-A. GRCh37 (hg19) VCF-style: chr10-95848842-G-A.
Other names: c.-10G>A (NM_001165979.2); c.1207-43089G>A (NM_001288989.2).
Identifiers: ClinVar variation 3048991 (VCV003048991.3), dbSNP rs139768264, ClinGen allele CA5612262.